The following is an entry in ClinVar:

NM_000179.3(MSH6):c.627+9C>T

Gene: MSH6 (mutS homolog 6; plus strand). Cytogenetic location: 2p16.3.
Variant type: single nucleotide variant.
Coding change: c.627+9C>T on transcript NM_000179.3 (MANE Select); 9 bases into the intron after coding-DNA position 627, C replaced by T.
Molecular consequence: intron variant.
Genome position (GRCh38, 1-based): chr2:47,796,072, C>T. VCF-style: chr2-47796072-C-T. GRCh37 (hg19) VCF-style: chr2-48023211-C-T.
Other names: c.-279-2539C>T (NM_001281493.2); c.238-2539C>T (NM_001281492.2); c.-276+9C>T (NM_001281494.2).
Identifiers: ClinVar variation 215661 (VCV000215661.41), dbSNP rs373155872, ClinGen allele CA073201.

ClinVar aggregate classification (germline): Likely benign. Review status: criteria provided, multiple submitters, no conflicts (2 of 4 stars). 8 submissions from 8 submitters: Likely benign (7). 1 of the submissions does not count toward it. Last evaluated 2025-12-28.

Conditions:
MSH6-related disorder. Also called: MSH6-related condition; MSH6-Related disorders.
Hereditary nonpolyposis colorectal neoplasms. Identifiers: MedGen C0009405, MeSH D003123.
Hereditary cancer-predisposing syndrome. Also called: Tumor predisposition; Neoplastic Syndromes, Hereditary; Hereditary Cancer Syndrome; Hereditary neoplastic syndrome. Identifiers: Orphanet 140162, MedGen C0027672, MeSH D009386, MONDO:0015356.
Lynch syndrome 5 (LYNCH5). Also called: Colorectal cancer, hereditary nonpolyposis, type 5; Hereditary non-polyposis colorectal cancer, type 5. Identifiers: Orphanet 144, MedGen C1833477, MONDO:0013710, OMIM 614350. Disease mechanism: loss of function.

Allele frequency attached by ClinVar (database versions not stated): gnomAD 0.00002 and 0.00003; gnomAD exomes 0.00002 and 0.00003; ExAC 0.00003; TOPMed 0.00004; ESP Exome Variant Server 0.00008.
gnomAD v4.1: 34 of 1,613,240 alleles (0.0021%); highest among the groups gnomAD compares: East Asian, 0.0045%; no homozygotes.

Submissions (8):

Labcorp Genetics (formerly Invitae), Labcorp
Classification: Likely benign for Hereditary nonpolyposis colorectal neoplasms. Last evaluated: 2025-12-28. Review status: criteria provided, single submitter. Criteria: Invitae Variant Classification Sherloc (09022015). Collection method: clinical testing. Allele origin: germline.

CeGaT Center for Human Genetics Tuebingen
Classification: Likely benign. Last evaluated: 2025-12-01. Review status: criteria provided, single submitter. Criteria: CeGaT Center For Human Genetics Tuebingen Variant Classification Criteria Version 2. Collection method: clinical testing. Allele origin: germline. Affected: yes. Observed: 1 variant allele.
Comment: MSH6: BP4, BP7

Myriad Genetics, Inc.
Classification: Likely benign for Lynch syndrome 5. Last evaluated: 2024-12-19. Review status: criteria provided, single submitter. Criteria: Myriad Autosomal Dominant, Autosomal Recessive and X-Linked Classification Criteria (2023). Collection method: clinical testing. Allele origin: unknown.
Comment: This variant is considered likely benign. This variant is intronic and is not expected to impact mRNA splicing.

Women's Health and Genetics/Laboratory Corporation of America, LabCorp
Classification: Likely benign. Last evaluated: 2023-11-14. Review status: criteria provided, single submitter. Criteria: LabCorp Variant Classification Summary - May 2015. Collection method: clinical testing. Allele origin: germline.

Mendelics
Classification: Likely benign for Lynch syndrome 5. Last evaluated: 2019-05-28. Review status: criteria provided, single submitter. Criteria: Mendelics Assertion Criteria 2017. Collection method: clinical testing. Allele origin: unknown.

GeneDx
Classification: Likely benign. Last evaluated: 2017-07-17. Review status: criteria provided, single submitter. Criteria: GeneDx Variant Classification (06012015). Collection method: clinical testing. Allele origin: germline. Affected: yes.
Comment: This variant is considered likely benign or benign based on one or more of the following criteria: it is a conservative change, it occurs at a poorly conserved position in the protein, it is predicted to be benign by multiple in silico algorithms, and/or has population frequency not consistent with disease.

Color Diagnostics, LLC DBA Color Health
Classification: Likely benign for Hereditary cancer-predisposing syndrome. Last evaluated: 2016-04-19. Review status: criteria provided, single submitter. Criteria: ACMG Guidelines, 2015. Collection method: clinical testing. Allele origin: germline.

PreventionGenetics, part of Exact Sciences
Classification: Likely benign for MSH6-related condition. Last evaluated: 2023-05-03. Review status: no assertion criteria provided. Collection method: clinical testing. Allele origin: germline. Not counted in ClinVar's aggregate classification.
Comment: This variant is classified as likely benign based on ACMG/AMP sequence variant interpretation guidelines (Richards et al. 2015 PMID: 25741868, with internal and published modifications).